The following is an entry in ClinVar:

NM_014845.6(FIG4):c.475C>G (p.Leu159Val)

Gene: FIG4 (FIG4 phosphoinositide 5-phosphatase; plus strand). Cytogenetic location: 6q21.
Variant type: single nucleotide variant.
Coding change: c.475C>G on transcript NM_014845.6 (MANE Select); coding-DNA position 475, C replaced by G.
Protein change: p.Leu159Val; replaces leucine 159 with valine.
Molecular consequence: missense variant.
Genome position (GRCh38, 1-based): chr6:109,732,665, C>G. VCF-style: chr6-109732665-C-G. GRCh37 (hg19) VCF-style: chr6-110053868-C-G.
Other names: short protein forms L159V.
Identifiers: ClinVar variation 2011910 (VCV002011910.4), dbSNP rs2486117055, ClinGen allele CA365218411.

ClinVar aggregate classification (germline): Uncertain significance (1 of 4 stars; one submission).

Conditions:
Charcot-Marie-Tooth disease type 4. Also called: Charcot-Marie-Tooth, Type 4; Charcot-Marie-Tooth disease, type IV. Identifiers: Orphanet 64749, MedGen C4082197, MONDO:0018995.

Submission:

Labcorp Genetics (formerly Invitae), Labcorp
Classification: Uncertain significance for Charcot-Marie-Tooth disease type 4. Last evaluated: 2022-06-28. Review status: criteria provided, single submitter. Criteria: Invitae Variant Classification Sherloc (09022015). Collection method: clinical testing. Allele origin: germline.
Comment: Algorithms developed to predict the effect of missense changes on protein structure and function are either unavailable or do not agree on the potential impact of this missense change (SIFT: "Deleterious"; PolyPhen-2: "Probably Damaging"; Align-GVGD: "Class C0"). In summary, the available evidence is currently insufficient to determine the role of this variant in disease. Therefore, it has been classified as a Variant of Uncertain Significance. This sequence change replaces leucine, which is neutral and non-polar, with valine, which is neutral and non-polar, at codon 159 of the FIG4 protein (p.Leu159Val). This variant has not been reported in the literature in individuals affected with FIG4-related conditions. This variant is not present in population databases (gnomAD no frequency).